The following is an entry in ClinVar:

NM_005141.5(FGB):c.188del (p.Pro63fs)

Gene: FGB (fibrinogen beta chain; plus strand). Cytogenetic location: 4q31.3.
Variant type: Deletion.
Coding change: c.188del on transcript NM_005141.5 (MANE Select); coding-DNA position 188, one base deleted (C; older notation c.188delC).
Protein change: p.Pro63fs; shifts the reading frame from proline 63.
Molecular consequence: frameshift variant. On other transcripts: intron variant (1).
Genome position (GRCh38, 1-based): chr4:154,565,881, C deleted; the last of 4 consecutive C bases (chr4:154,565,878-154,565,881); deleting any one gives the same sequence. VCF-style (leftmost placement, unchanged base first): chr4-154565877-GC-G. GRCh37 (hg19) VCF-style: chr4-155487029-GC-G.
Other names: c.188del, p.Pro63fs (NM_001382759.1, NM_001382760.1, NM_001382761.1 and 4 more transcripts); c.165+23del (NM_001184741.1); short protein forms P63fs.
Identifiers: ClinVar variation 3029676 (VCV003029676.2), dbSNP rs2530766247, ClinGen allele CA2740091581.

ClinVar aggregate classification (germline): Likely pathogenic (0 of 4 stars; one submission).

Conditions:
FGB-related disorder. Also called: FGB-related condition.

Submission:

PreventionGenetics, part of Exact Sciences
Classification: Likely pathogenic for FGB-related condition. Last evaluated: 2023-12-12. Review status: no assertion criteria provided. Collection method: clinical testing. Allele origin: germline.
Comment: The FGB c.188delC variant is predicted to result in a frameshift and premature protein termination (p.Pro63Hisfs*23). To our knowledge, this variant has not been reported in the literature or in a large population database, indicating this variant is rare. Frameshift variants in FGB are expected to be pathogenic. This variant is interpreted as likely pathogenic.